The following is an entry in ClinVar:

ClinVar aggregate classification (germline): Uncertain significance (1 of 4 stars; one submission).

Allele frequency attached by ClinVar (database versions not stated): gnomAD exomes 0.00001 and 0.00002; ExAC 0.00002; gnomAD 0.00006 and 0.00009; TOPMed 0.00007; ESP Exome Variant Server 0.00008.
gnomAD v4.1: 14 of 1,614,052 alleles (0.00087%); highest among the groups gnomAD compares: African/African-American, 0.016%; no homozygotes.

Submission:

Labcorp Genetics (formerly Invitae), Labcorp
Classification: Uncertain significance. Last evaluated: 2024-11-18. Review status: criteria provided, single submitter. Criteria: Invitae Variant Classification Sherloc (09022015). Collection method: clinical testing. Allele origin: germline.
Comment: This sequence change replaces proline, which is neutral and non-polar, with arginine, which is basic and polar, at codon 2369 of the CPLANE1 protein (p.Pro2369Arg). This variant is present in population databases (rs375221056, gnomAD 0.02%). This variant has not been reported in the literature in individuals affected with CPLANE1-related conditions. ClinVar contains an entry for this variant (Variation ID: 1359292). Invitae Evidence Modeling of protein sequence and biophysical properties (such as structural, functional, and spatial information, amino acid conservation, physicochemical variation, residue mobility, and thermodynamic stability) indicates that this missense variant is not expected to disrupt CPLANE1 protein function with a negative predictive value of 95%. In summary, the available evidence is currently insufficient to determine the role of this variant in disease. Therefore, it has been classified as a Variant of Uncertain Significance.

NM_001384732.1(CPLANE1):c.7106C>G (p.Pro2369Arg)

Gene: CPLANE1 (ciliogenesis and planar polarity effector complex subunit 1; minus strand). Cytogenetic location: 5p13.2.
Variant type: single nucleotide variant.
Coding change: c.7106C>G on transcript NM_001384732.1 (MANE Select); coding-DNA position 7106, C replaced by G.
Protein change: p.Pro2369Arg; replaces proline 2369 with arginine.
Molecular consequence: missense variant.
Genome position (GRCh38, 1-based): chr5:37,168,918, G>C on the plus strand (C>G on the coding strand, the complement: CPLANE1 is on the minus strand). VCF-style: chr5-37168918-G-C. GRCh37 (hg19) VCF-style: chr5-37169020-G-C.
Other names: c.7106C>G, p.Pro2369Arg (NM_023073.4); short protein forms P2369R.
Identifiers: ClinVar variation 1359292 (VCV001359292.6), dbSNP rs375221056, ClinGen allele CA3238139.